The following is an entry in ClinVar:

ClinVar aggregate classification (germline): Uncertain significance. Review status: criteria provided, multiple submitters, no conflicts (2 of 4 stars). 3 submissions from 3 submitters: Uncertain significance (3). Last evaluated 2024-06-12.

Conditions:
Fanconi renotubular syndrome 2 (FRTS2). Identifiers: MedGen C3150652, MONDO:0013247, OMIM 613388.
Hypophosphatemic nephrolithiasis/osteoporosis 1. Identifiers: Orphanet 244305, MedGen C2676786, MONDO:0012850, OMIM 612286.
Hypercalcemia, infantile, 2 (HCINF2). Identifiers: Orphanet 300547, MedGen C4310473, MONDO:0014851, OMIM 616963.

Allele frequency attached by ClinVar (database versions not stated): gnomAD exomes 0.00001 and 0.00002.
gnomAD v4.1: 35 of 1,614,136 alleles (0.0022%); highest among the groups gnomAD compares: Middle Eastern, 0.017%; no homozygotes.

Submissions (3):

Fulgent Genetics
Classification: Uncertain significance for Hypophosphatemic nephrolithiasis/osteoporosis 1; Fanconi renotubular syndrome 2; Hypercalcemia, infantile, 2. Last evaluated: 2024-06-12. Review status: criteria provided, single submitter. Criteria: ACMG Guidelines, 2015. Collection method: clinical testing. Allele origin: germline.

GeneDx
Classification: Uncertain significance. Last evaluated: 2024-05-20. Review status: criteria provided, single submitter. Criteria: GeneDx Variant Classification Process June 2021. Collection method: clinical testing. Allele origin: germline. Affected: yes.
Comment: In silico analysis supports that this missense variant has a deleterious effect on protein structure/function; Has not been previously published as pathogenic or benign to our knowledge

Labcorp Genetics (formerly Invitae), Labcorp
Classification: Uncertain significance. Last evaluated: 2021-11-25. Review status: criteria provided, single submitter. Criteria: Invitae Variant Classification Sherloc (09022015). Collection method: clinical testing. Allele origin: germline.
Comment: This sequence change replaces threonine, which is neutral and polar, with methionine, which is neutral and non-polar, at codon 454 of the SLC34A1 protein (p.Thr454Met). This variant is present in population databases (no rsID available, gnomAD 0.003%). This variant has not been reported in the literature in individuals affected with SLC34A1-related conditions. Algorithms developed to predict the effect of missense changes on protein structure and function are either unavailable or do not agree on the potential impact of this missense change (SIFT: "Deleterious"; PolyPhen-2: "Probably Damaging"; Align-GVGD: "Class C0"). In summary, the available evidence is currently insufficient to determine the role of this variant in disease. Therefore, it has been classified as a Variant of Uncertain Significance.

NM_003052.5(SLC34A1):c.1361C>T (p.Thr454Met)

Gene: SLC34A1 (solute carrier family 34 member 1; plus strand). Cytogenetic location: 5q35.3.
Variant type: single nucleotide variant.
Coding change: c.1361C>T on transcript NM_003052.5 (MANE Select); coding-DNA position 1361, C replaced by T.
Protein change: p.Thr454Met; replaces threonine 454 with methionine.
Molecular consequence: missense variant.
Genome position (GRCh38, 1-based): chr5:177,397,019, C>T. VCF-style: chr5-177397019-C-T. GRCh37 (hg19) VCF-style: chr5-176824020-C-T.
Other names: c.1361C>T (NM_003052.4); short protein forms T454M.
Identifiers: ClinVar variation 1475598 (VCV001475598.5), dbSNP rs1489305215, ClinGen allele CA362315137.